The following is an entry in ClinVar:

NM_025074.7(FRAS1):c.8261A>G (p.Asp2754Gly)

Gene: FRAS1 (Fraser extracellular matrix complex subunit 1; plus strand). Cytogenetic location: 4q21.21.
Variant type: single nucleotide variant.
Coding change: c.8261A>G on transcript NM_025074.7 (MANE Select); coding-DNA position 8261, A replaced by G.
Protein change: p.Asp2754Gly; replaces aspartic acid 2754 with glycine.
Molecular consequence: missense variant.
Genome position (GRCh38, 1-based): chr4:78,479,536, A>G. VCF-style: chr4-78479536-A-G. GRCh37 (hg19) VCF-style: chr4-79400690-A-G.
Other names: c.8261A>G (NM_025074.6); short protein forms D2754G.
Identifiers: ClinVar variation 3591119 (VCV003591119.2).

ClinVar aggregate classification (germline): Uncertain significance. Review status: criteria provided, multiple submitters, no conflicts (2 of 4 stars). 2 submissions from 2 submitters: Uncertain significance (2). Last evaluated 2025-06-26.

Conditions:
Fraser syndrome 1 (FRASRS1). Also called: CRYPTOPHTHALMOS WITH OTHER MALFORMATIONS. Identifiers: Orphanet 2052, MedGen C4551480, MONDO:0054737, OMIM 219000.
FRAS1-related disorder. Also called: FRAS1-related condition.

gnomAD v4.1: 25 of 1,613,828 alleles (0.0015%); highest among the groups gnomAD compares: Non-Finnish European, 0.0016%; no homozygotes.

Submissions (2):

PreventionGenetics, part of Exact Sciences
Classification: Uncertain significance for FRAS1-related condition. Last evaluated: 2025-06-26. Review status: criteria provided, single submitter. Criteria: ACMG Guidelines, 2015. Collection method: clinical testing. Allele origin: germline.
Comment: The FRAS1 c.8261A>G variant is predicted to result in the amino acid substitution p.Asp2754Gly. To our knowledge, this variant has not been reported in the literature. This variant is reported in 0.0041% of alleles in individuals of African descent in gnomAD. At this time, the clinical significance of this variant is uncertain due to the absence of conclusive functional and genetic evidence.

Fulgent Genetics
Classification: Uncertain significance for Fraser syndrome 1. Last evaluated: 2024-06-05. Review status: criteria provided, single submitter. Criteria: ACMG Guidelines, 2015. Collection method: clinical testing. Allele origin: germline.